The following is an entry in ClinVar:

ClinVar aggregate classification (germline): Pathogenic/Likely pathogenic. Review status: criteria provided, multiple submitters, no conflicts (2 of 4 stars). 3 submissions from 3 submitters: Pathogenic (1); Likely pathogenic (2). Last evaluated 2024-04-01.

Conditions:
ALG6-congenital disorder of glycosylation 1C (CDG1C). Also called: CDG Ic; CARBOHYDRATE-DEFICIENT GLYCOPROTEIN SYNDROME, TYPE I, WITH DEFICIENT GLYCOSYLATION OF DOLICHOL-LINKED OLIGOSACCHARIDE; CARBOHYDRATE-DEFICIENT GLYCOPROTEIN SYNDROME, TYPE V; Congenital disorder of glycosylation type 1C; Congenital disorder of glycosylation, type Ic. Identifiers: Orphanet 79320, MedGen C2930997, MONDO:0011291, OMIM 603147.

Allele frequency attached by ClinVar (database versions not stated): gnomAD exomes below 0.00001; ExAC 0.00001.
gnomAD v4.1: 3 of 1,606,696 alleles (0.00019%); highest among the groups gnomAD compares: Non-Finnish European, 0.00026%; no homozygotes.

Submissions (3):

Natera, Inc.
Classification: Likely pathogenic for Congenital disorder of glycosylation type 1c. Last evaluated: 2024-04-01. Review status: criteria provided, single submitter. Criteria: Natera Variant Classification Schema (03/2026). Collection method: clinical testing. Allele origin: germline.
Comment: The c.988-1G>A variant in ALG6 is a canonical splice acceptor site variant predicted to affect pre-mRNA splicing, which may result in an abnormal transcript and altered protein product. This variant is expected to result in nonsense mediated decay, truncation, or a dysfunctional protein product. This variant is rare in the general population with a frequency below the threshold expected for the associated phenotype(s). Given the available evidence, this variant is classified as Likely Pathogenic.

Baylor Genetics
Classification: Pathogenic for ALG6-congenital disorder of glycosylation 1C. Last evaluated: 2024-03-01. Review status: criteria provided, single submitter. Criteria: ACMG Guidelines, 2015. Collection method: clinical testing. Allele origin: unknown.

Labcorp Genetics (formerly Invitae), Labcorp
Classification: Likely pathogenic for ALG6-congenital disorder of glycosylation 1C. Last evaluated: 2023-11-24. Review status: criteria provided, single submitter. Criteria: Invitae Variant Classification Sherloc (09022015). Collection method: clinical testing. Allele origin: germline.
Comment: This sequence change affects an acceptor splice site in intron 11 of the ALG6 gene. It is expected to disrupt RNA splicing. Variants that disrupt the donor or acceptor splice site typically lead to a loss of protein function (PMID: 16199547), and loss-of-function variants in ALG6 are known to be pathogenic (PMID: 19862844). This variant is present in population databases (rs781473515, gnomAD 0.002%). This variant has not been reported in the literature in individuals affected with ALG6-related conditions. ClinVar contains an entry for this variant (Variation ID: 1524712). Algorithms developed to predict the effect of sequence changes on RNA splicing suggest that this variant may disrupt the consensus splice site. In summary, the currently available evidence indicates that the variant is pathogenic, but additional data are needed to prove that conclusively. Therefore, this variant has been classified as Likely Pathogenic.

Literature cited by the submitters: PubMed 16199547 (cited by Labcorp Genetics (formerly Invitae), Labcorp); PubMed 19862844 (cited by Labcorp Genetics (formerly Invitae), Labcorp).

NM_013339.4(ALG6):c.988-1G>A

Gene: ALG6 (ALG6 alpha-1,3-glucosyltransferase; plus strand). Cytogenetic location: 1p31.3.
Variant type: single nucleotide variant.
Coding change: c.988-1G>A on transcript NM_013339.4 (MANE Select); the canonical splice acceptor site of the intron before coding-DNA position 988, G replaced by A.
Molecular consequence: splice acceptor variant.
Genome position (GRCh38, 1-based): chr1:63,419,369, G>A. VCF-style: chr1-63419369-G-A. GRCh37 (hg19) VCF-style: chr1-63885040-G-A.
Other names: c.988-1G>A (NM_013339.3).
Identifiers: ClinVar variation 1524712 (VCV001524712.10), dbSNP rs781473515, ClinGen allele CA888339.
Genomic context (GRCh38, chr1:63,419,369, plus strand): 5'-TTAACTTGATATGCTATTTCACAAGTTGTTATATCTCATTTCCCCCCCTTTTTTCTTAAA[G>A]GTTAGCTGTGCGCTATCATTCTTTTTATTTTCTTTCCAAGTACATGAAAAATCCATTCTC-3'